The following is an entry in ClinVar:

NC_012920.1(MT-TK):m.8348A>G

Gene: MT-TK (mitochondrially encoded tRNA lysine; plus strand).
Variant type: single nucleotide variant.
Genome position: chrM-8348-A-G.
Identifiers: ClinVar variation 690079 (VCV000690079.2), dbSNP rs1556423430, ClinGen allele CA913179052.

ClinVar aggregate classification (germline): Benign/Likely benign. Review status: criteria provided, multiple submitters, no conflicts (2 of 4 stars). 2 submissions from 2 submitters: Benign (1); Likely benign (1). Last evaluated 2019-07-12.

Conditions:
MELAS syndrome (MELAS). Also called: Juvenile myopathy, encephalopathy, lactic acidosis, stroke. Identifiers: Orphanet 550, MedGen C0162671, MONDO:0010789, OMIM 540000.

Submissions (2):

Wong Mito Lab, Molecular and Human Genetics, Baylor College of Medicine
Classification: Benign for MELAS syndrome. Last evaluated: 2019-07-12. Review status: criteria provided, single submitter. Criteria: Modified ACMG Guidelines (Unpublished). Collection method: clinical testing. Allele origin: germline.
Comment: The NC_012920.1:m.8348A>G variant in MT-TK gene is interpreted to be a Benign variant based on the modified ACMG guidelines (unpublished). This variant meets the following evidence codes reported in the guidelines: BS1, BS2

Athena Diagnostics
Classification: Likely benign. Last evaluated: 2019-06-05. Review status: criteria provided, single submitter. Criteria: Athena Diagnostics Criteria. Collection method: clinical testing. Allele origin: germline.

Literature cited by the submitters: PubMed 31965079 (cited by Wong Mito Lab, Molecular and Human Genetics, Baylor College of Medicine).